The following is an entry in ClinVar:

NM_000238.4(KCNH2):c.323G>A (p.Cys108Tyr)

Gene: KCNH2 (potassium voltage-gated channel subfamily H member 2; minus strand). Cytogenetic location: 7q36.1.
Variant type: single nucleotide variant.
Coding change: c.323G>A on transcript NM_000238.4 (MANE Select); coding-DNA position 323, G replaced by A.
Protein change: p.Cys108Tyr; replaces cysteine 108 with tyrosine.
Molecular consequence: missense variant.
Genome position (GRCh38, 1-based): chr7:150,959,721, C>T on the plus strand (G>A on the coding strand, the complement: KCNH2 is on the minus strand). VCF-style: chr7-150959721-C-T. GRCh37 (hg19) VCF-style: chr7-150656809-C-T.
Other names: c.35G>A, p.Cys12Tyr (NM_001406753.1, NM_001406756.1); c.146G>A, p.Cys49Tyr (NM_001406755.1); c.23G>A, p.Cys8Tyr (NM_001406757.1); c.323G>A, p.Cys108Tyr (NM_172056.3); short protein forms C108Y, C49Y, C8Y, C12Y.
Identifiers: ClinVar variation 1445494 (VCV001445494.9), dbSNP rs2117012538, ClinGen allele CA369863897.
Genomic context (GRCh38, chr7:150,959,721, plus strand): 5'-TTGAGGATGAACATGATGACAGCCCCATCCTCGTTCTTCACGGGCACCACATCCACCAGA[C>T]ATAGGAAGCAGCTCCCTGCAGAGTGGGAGGACATAGCCCCCTTGGCACCCACTCAGTGGG-3'
Protein context (NP_000229.1, residues 98-118): FYRKDGSCFL[Cys108Tyr]LVDVVPVKNE

ClinVar aggregate classification (germline): Uncertain significance (1 of 4 stars; one submission).

Conditions:
Long QT syndrome (LQTS). Identifiers: MedGen C0023976, MeSH D008133, MONDO:0002442. Disease mechanism: loss of function. Inheritance: Various modes of inheritance.

Submission:

Labcorp Genetics (formerly Invitae), Labcorp
Classification: Uncertain significance for Long QT syndrome. Last evaluated: 2021-01-26. Review status: criteria provided, single submitter. Criteria: Invitae Variant Classification Sherloc (09022015). Collection method: clinical testing. Allele origin: germline.
Comment: In summary, the available evidence is currently insufficient to determine the role of this variant in disease. Therefore, it has been classified as a Variant of Uncertain Significance. This variant disrupts the p.Cys108 amino acid residue in KCNH2. Other variant(s) that disrupt this residue have been observed in individuals with KCNH2-related conditions (Invitae), which suggests that this may be a clinically significant amino acid residue. Experimental studies have shown that this variant affects KCNH2 protein function (PMID: 28749435). This variant has been observed in individual(s) with clinical features of long QT syndrome (LQTS) (PMID: 28749435, Invitae). This variant is not present in population databases (ExAC no frequency). This sequence change replaces cysteine with tyrosine at codon 108 of the KCNH2 protein (p.Cys108Tyr). The cysteine residue is moderately conserved and there is a large physicochemical difference between cysteine and tyrosine.

Literature cited by the submitters: PubMed 28749435.